The following is an entry in ClinVar:

ClinVar aggregate classification (germline): Likely pathogenic (1 of 4 stars; one submission).

Conditions:
Microcephalic primordial dwarfism due to RTTN deficiency (MSSP). Also called: MICROCEPHALY, SHORT STATURE, AND POLYMICROGYRIA; Microcephaly, short stature, and polymicrogyria with or without seizures. Identifiers: Orphanet 468631, MedGen C3553831, MONDO:0018764, OMIM 614833.

Submission:

Juno Genomics, Hangzhou Juno Genomics, Inc
Classification: Likely pathogenic for Microcephalic primordial dwarfism due to RTTN deficiency. Review status: criteria provided, single submitter. Criteria: ACMG Guidelines, 2015. Collection method: clinical testing. Allele origin: germline.
Comment: Null variant in a gene where loss of function (LOF) is a known mechanism of disease.;Absent from controls (or at extremely low frequency if recessive) in Genome Aggregation Database.

NM_173630.4(RTTN):c.410dup (p.Asn137fs)

Gene: RTTN (rotatin; minus strand). Cytogenetic location: 18q22.2.
Variant type: Duplication.
Coding change: c.410dup on transcript NM_173630.4 (MANE Select); coding-DNA position 410, one base duplicated (A; older notation c.410dupA).
Protein change: p.Asn137fs; shifts the reading frame from asparagine 137.
Molecular consequence: frameshift variant. On other transcripts: 5 prime UTR variant (1).
Genome position (GRCh38, 1-based): chr18:70,201,971, T duplicated on the plus strand (A on the coding strand, the reverse complement: RTTN is on the minus strand); the first of 6 consecutive T bases (chr18:70,201,971-70,201,976); duplicating any one gives the same sequence. VCF-style (leftmost placement, unchanged base first): chr18-70201970-G-GT. GRCh37 (hg19) VCF-style: chr18-67869206-G-GT.
Other names: c.-2144dup (NM_001318520.2); short protein forms N137fs.
Identifiers: ClinVar variation 5005910 (VCV005005910.2).